The following is an entry in ClinVar:

ClinVar aggregate classification (germline): Uncertain significance (1 of 4 stars; one submission).

Submission:

Labcorp Genetics (formerly Invitae), Labcorp
Classification: Uncertain significance. Last evaluated: 2023-01-24. Review status: criteria provided, single submitter. Criteria: Invitae Variant Classification Sherloc (09022015). Collection method: clinical testing. Allele origin: germline.
Comment: In summary, the available evidence is currently insufficient to determine the role of this variant in disease. Therefore, it has been classified as a Variant of Uncertain Significance. This variant has not been reported in the literature in individuals affected with HMCN1-related conditions. This variant is not present in population databases (gnomAD no frequency). This sequence change creates a premature translational stop signal (p.Tyr4355Leufs*4) in the HMCN1 gene. It is expected to result in an absent or disrupted protein product. However, the current clinical and genetic evidence is not sufficient to establish whether loss-of-function variants in HMCN1 cause disease.

NM_031935.3(HMCN1):c.13063dup (p.Tyr4355fs)

Gene: HMCN1 (hemicentin 1; plus strand). Cytogenetic location: 1q31.1.
Variant type: Duplication.
Coding change: c.13063dup on transcript NM_031935.3 (MANE Select); coding-DNA position 13063, one base duplicated (T; older notation c.13063dupT).
Protein change: p.Tyr4355fs; shifts the reading frame from tyrosine 4355.
Molecular consequence: frameshift variant.
Genome position (GRCh38, 1-based): chr1:186,130,530, T duplicated; the last of 2 consecutive T bases (chr1:186,130,529-186,130,530); duplicating either gives the same sequence. VCF-style (leftmost placement, unchanged base first): chr1-186130528-A-AT. GRCh37 (hg19) VCF-style: chr1-186099660-A-AT.
Other names: short protein forms Y4355fs.
Identifiers: ClinVar variation 2827934 (VCV002827934.3), dbSNP rs2528068778, ClinGen allele CA2649558258.
Genomic context (GRCh38, chr1:186,130,528, plus strand): 5'-CTTACTTTTACTTTGTACCTGTCTTATGTTGTTTTCCAGAACCTCCAGTCTTCAAAGGTG[A>AT]TTATCCTTCTAACTGGATTGAACCACTTGGTGGGAATGCAATCCTGAATTGTGAGGTGAA-3'